The following is an entry in ClinVar:

NM_015544.3(TMEM98):c.378C>T (p.Ser126=)

Genes: TMEM98 (transmembrane protein 98; plus strand), LOC121587587 (Sharpr-MPRA regulatory region 812; plus strand). Cytogenetic location: 17q11.2.
Variant type: single nucleotide variant.
Coding change: c.378C>T on transcript NM_015544.3 (MANE Select); coding-DNA position 378, C replaced by T.
Protein change: p.Ser126=; no amino-acid change (serine 126 retained).
Molecular consequence: synonymous variant.
Genome position (GRCh38, 1-based): chr17:32,936,412, C>T. VCF-style: chr17-32936412-C-T. GRCh37 (hg19) VCF-style: chr17-31263430-C-T.
Other names: c.378C>T, p.Ser126= (NM_001033504.2, NM_001301746.2).
Identifiers: ClinVar variation 3035795 (VCV003035795.2), dbSNP rs201959602, ClinGen allele CA8494438.

ClinVar aggregate classification (germline): Likely benign (0 of 4 stars; one submission).

Conditions:
TMEM98-related disorder. Also called: TMEM98-related condition.

Allele frequency attached by ClinVar (database versions not stated): gnomAD exomes 0.00002; TOPMed 0.00003; gnomAD 0.00005; ExAC 0.00007; 1000 Genomes Project 0.00020; 1000 Genomes Project 30x 0.00031.

Submission:

PreventionGenetics, part of Exact Sciences
Classification: Likely benign for TMEM98-related condition. Last evaluated: 2019-08-08. Review status: no assertion criteria provided. Collection method: clinical testing. Allele origin: germline.
Comment: This variant is classified as likely benign based on ACMG/AMP sequence variant interpretation guidelines (Richards et al. 2015 PMID: 25741868, with internal and published modifications).